The following is an entry in ClinVar:

NM_021076.4(NEFH):c.777G>T (p.Thr259=)

Gene: NEFH (neurofilament heavy chain; plus strand). Cytogenetic location: 22q12.2.
Variant type: single nucleotide variant.
Coding change: c.777G>T on transcript NM_021076.4 (MANE Select); coding-DNA position 777, G replaced by T.
Protein change: p.Thr259=; no amino-acid change (threonine 259 retained).
Molecular consequence: synonymous variant.
Genome position (GRCh38, 1-based): chr22:29,481,039, G>T. VCF-style: chr22-29481039-G-T. GRCh37 (hg19) VCF-style: chr22-29877028-G-T.
Identifiers: ClinVar variation 1553171 (VCV001553171.14), dbSNP rs915610438, ClinGen allele CA323083177.

ClinVar aggregate classification (germline): Likely benign. Review status: criteria provided, multiple submitters, no conflicts (2 of 4 stars). 3 submissions from 3 submitters: Likely benign (3). Last evaluated 2026-09-01.

Allele frequency attached by ClinVar (database versions not stated): gnomAD 0.00005 and 0.00006; gnomAD exomes 0.00006 and 0.00028; TOPMed 0.00009.

Submissions (3):

CeGaT Center for Human Genetics Tuebingen
Classification: Likely benign. Last evaluated: 2026-09-01. Review status: criteria provided, single submitter. Criteria: CeGaT Center For Human Genetics Tuebingen Variant Classification Criteria Version 2. Collection method: clinical testing. Allele origin: germline. Affected: yes. Observed: 2 variant alleles.
Comment: NEFH: BP4, BP7

Labcorp Genetics (formerly Invitae), Labcorp
Classification: Likely benign. Last evaluated: 2025-11-24. Review status: criteria provided, single submitter. Criteria: Invitae Variant Classification Sherloc (09022015). Collection method: clinical testing. Allele origin: germline.

Blueprint Genetics
Classification: Likely benign. Last evaluated: 2024-10-21. Review status: criteria provided, single submitter. Criteria: ACMG Guidelines, 2015. Collection method: clinical testing. Allele origin: germline.